The following is an entry in ClinVar:

ClinVar aggregate classification (germline): Likely benign. Review status: criteria provided, multiple submitters, no conflicts (2 of 4 stars). 2 submissions from 2 submitters: Likely benign (2). Last evaluated 2026-01-21.

Conditions:
Hereditary diffuse gastric adenocarcinoma (HDGC). Also called: DIFFUSE GASTRIC AND LOBULAR BREAST CANCER SYNDROME. Identifiers: Orphanet 26106, MedGen C1708349, MONDO:0007648, OMIM 137215.

Allele frequency attached by ClinVar (database versions not stated): gnomAD exomes below 0.00001 and 0.00001; TOPMed below 0.00001.

Submissions (2):

Labcorp Genetics (formerly Invitae), Labcorp
Classification: Likely benign for Hereditary diffuse gastric adenocarcinoma. Last evaluated: 2026-01-21. Review status: criteria provided, single submitter. Criteria: Invitae Variant Classification Sherloc (09022015). Collection method: clinical testing. Allele origin: germline.

Myriad Genetics, Inc.
Classification: Likely benign for Hereditary diffuse gastric adenocarcinoma. Last evaluated: 2024-09-18. Review status: criteria provided, single submitter. Criteria: Myriad Autosomal Dominant, Autosomal Recessive and X-Linked Classification Criteria (2023). Collection method: clinical testing. Allele origin: unknown.
Comment: This variant is considered likely benign. This variant is intronic and is not expected to impact mRNA splicing.

NM_004360.5(CDH1):c.1138-17A>G

Gene: CDH1 (cadherin 1; plus strand). Cytogenetic location: 16q22.1.
Variant type: single nucleotide variant.
Coding change: c.1138-17A>G on transcript NM_004360.5 (MANE Select); 17 bases into the intron before coding-DNA position 1138, A replaced by G.
Molecular consequence: intron variant.
Genome position (GRCh38, 1-based): chr16:68,813,296, A>G. VCF-style: chr16-68813296-A-G. GRCh37 (hg19) VCF-style: chr16-68847199-A-G.
Other names: c.-478-17A>G (NM_001317185.2); c.-682-17A>G (NM_001317186.2); c.1137+1033A>G (NM_001317184.2).
Identifiers: ClinVar variation 1594617 (VCV001594617.9), dbSNP rs1300278605, ClinGen allele CA623574718.